The following is an entry in ClinVar:

ClinVar aggregate classification (germline): Uncertain significance. Review status: criteria provided, multiple submitters, no conflicts (2 of 4 stars). 2 submissions from 2 submitters: Uncertain significance (2). Last evaluated 2025-09-21.

Conditions:
Inborn genetic diseases. Identifiers: MedGen C0950123, MeSH D030342.
Autosomal dominant Parkinson disease 8. Also called: Parkinson disease 8, susceptibility to; LRRK2-Related Parkinson Disease; Parkinson disease 8. Identifiers: Orphanet 411602, MedGen C1846862, MONDO:0011764, OMIM 607060.

Submissions (2):

Labcorp Genetics (formerly Invitae), Labcorp
Classification: Uncertain significance for Autosomal dominant Parkinson disease 8. Last evaluated: 2025-09-21. Review status: criteria provided, single submitter. Criteria: Invitae Variant Classification Sherloc (09022015). Collection method: clinical testing. Allele origin: germline.
Comment: This sequence change replaces aspartic acid, which is acidic and polar, with glycine, which is neutral and non-polar, at codon 1317 of the LRRK2 protein (p.Asp1317Gly). This variant is not present in population databases (gnomAD no frequency). This variant has not been reported in the literature in individuals affected with LRRK2-related conditions. ClinVar contains an entry for this variant (Variation ID: 1736435). Invitae Evidence Modeling of protein sequence and biophysical properties (such as structural, functional, and spatial information, amino acid conservation, physicochemical variation, residue mobility, and thermodynamic stability) indicates that this missense variant is expected to disrupt LRRK2 protein function with a positive predictive value of 80%. In summary, the available evidence is currently insufficient to determine the role of this variant in disease. Therefore, it has been classified as a Variant of Uncertain Significance.

Ambry Genetics
Classification: Uncertain significance for Inborn genetic diseases. Last evaluated: 2022-09-21. Review status: criteria provided, single submitter. Criteria: Ambry Variant Classification Scheme 2023. Collection method: clinical testing. Allele origin: germline.
Comment: The p.D1317G variant (also known as c.3950A>G), located in coding exon 28 of the LRRK2 gene, results from an A to G substitution at nucleotide position 3950. The aspartic acid at codon 1317 is replaced by glycine, an amino acid with similar properties. This amino acid position is conserved. In addition, this alteration is predicted to be deleterious by in silico analysis. Since supporting evidence is limited at this time, the clinical significance of this alteration remains unclear.

NM_198578.4(LRRK2):c.3950A>G (p.Asp1317Gly)

Gene: LRRK2 (leucine rich repeat kinase 2; plus strand). Cytogenetic location: 12q12.
Variant type: single nucleotide variant.
Coding change: c.3950A>G on transcript NM_198578.4 (MANE Select); coding-DNA position 3950, A replaced by G.
Protein change: p.Asp1317Gly; replaces aspartic acid 1317 with glycine.
Molecular consequence: missense variant.
Genome position (GRCh38, 1-based): chr12:40,305,957, A>G. VCF-style: chr12-40305957-A-G. GRCh37 (hg19) VCF-style: chr12-40699759-A-G.
Other names: short protein forms D1317G.
Identifiers: ClinVar variation 1736435 (VCV001736435.3), dbSNP rs2499796312, ClinGen allele CA384417412.